The following is an entry in ClinVar:

NM_001130438.3(SPTAN1):c.5392G>T (p.Gly1798Cys)

Gene: SPTAN1 (spectrin alpha, non-erythrocytic 1; plus strand). Cytogenetic location: 9q34.11.
Variant type: single nucleotide variant.
Coding change: c.5392G>T on transcript NM_001130438.3 (MANE Select); coding-DNA position 5392, G replaced by T.
Protein change: p.Gly1798Cys; replaces glycine 1798 with cysteine.
Molecular consequence: missense variant.
Genome position (GRCh38, 1-based): chr9:128,617,674, G>T. VCF-style: chr9-128617674-G-T. GRCh37 (hg19) VCF-style: chr9-131379953-G-T.
Other names: NC_000009.12(NM_003127.4):c.5377G>T; NM_003127.4(NP_003118.2):p.(Gly1793Cys); NM_003127.4(SPTAN1):p.(Gly1793Cys); c.5317G>T, p.Gly1773Cys (NM_001195532.2); c.5392G>T, p.Gly1798Cys (NM_001363759.2, NM_001375310.1, NM_001375311.2 and 1 more transcripts); c.5332G>T, p.Gly1778Cys (NM_001363765.2, NM_001375314.2); c.5428G>T, p.Gly1810Cys (NM_001375312.2, NM_001375318.1); c.5377G>T, p.Gly1793Cys (NM_003127.4); short protein forms G1773C, G1778C, G1793C, G1798C, G1810C.
Identifiers: ClinVar variation 1333719 (VCV001333719.1), dbSNP rs756006714, ClinGen allele CA375075946.

ClinVar aggregate classification (germline): Uncertain significance (1 of 4 stars; one submission).

Conditions:
Developmental and epileptic encephalopathy, 5 (DEE5). Identifiers: Orphanet 3451, MedGen C3150731, MONDO:0013277, OMIM 613477.

Submission:

Experimental Epileptology, AG Lerche, Hertie Institute for Clinical Brain Research
Classification: Uncertain significance for Developmental and epileptic encephalopathy, 5. Last evaluated: 2022-01-02. Review status: criteria provided, single submitter. Criteria: ACMG Guidelines, 2015. Collection method: research. Allele origin: paternal. Affected: yes.
Comment: ACMG/AMP criteria: PM2, PP2, PP3, BS4